The following is an entry in ClinVar:

ClinVar aggregate classification (germline): Uncertain significance (1 of 4 stars; one submission).

Conditions:
PKD1-related disorder. Also called: PKD1-related condition.

gnomAD v4.1: 6 of 1,547,872 alleles (0.00039%); highest among the groups gnomAD compares: Admixed American, 0.002%; no homozygotes.

Submission:

PreventionGenetics, part of Exact Sciences
Classification: Uncertain significance for PKD1-related condition. Last evaluated: 2025-12-10. Review status: criteria provided, single submitter. Criteria: ACMG Guidelines, 2015. Collection method: clinical testing. Allele origin: germline.
Comment: The PKD1 c.6958A>G variant is predicted to result in the amino acid substitution p.Ser2320Gly. To our knowledge, this variant has not been reported in the literature. This variant is reported in 0.0078% of alleles in individuals of Latino descent in gnomAD. At this time, the clinical significance of this variant is uncertain due to the absence of conclusive functional and genetic evidence.

NM_001009944.3(PKD1):c.6958A>G (p.Ser2320Gly)

Gene: PKD1 (polycystin 1, transient receptor potential channel interacting; minus strand). Cytogenetic location: 16p13.3.
Variant type: single nucleotide variant.
Coding change: c.6958A>G on transcript NM_001009944.3 (MANE Select); coding-DNA position 6958, A replaced by G.
Protein change: p.Ser2320Gly; replaces serine 2320 with glycine.
Molecular consequence: missense variant.
Genome position (GRCh38, 1-based): chr16:2,107,990, T>C on the plus strand (A>G on the coding strand, the complement: PKD1 is on the minus strand). VCF-style: chr16-2107990-T-C. GRCh37 (hg19) VCF-style: chr16-2157991-T-C.
Other names: c.6958A>G, p.Ser2320Gly (NM_000296.4); short protein forms S2320G.
Identifiers: ClinVar variation 4986250 (VCV004986250.1).